The following is an entry in ClinVar:

ClinVar aggregate classification (germline): Uncertain significance (1 of 4 stars; one submission).

Conditions:
Inborn genetic diseases. Identifiers: MedGen C0950123, MeSH D030342.

Submission:

Ambry Genetics
Classification: Uncertain significance for Inborn genetic diseases. Last evaluated: 2025-08-01. Review status: criteria provided, single submitter. Criteria: Ambry Variant Classification Scheme 2023. Collection method: clinical testing. Allele origin: germline.
Comment: The p.M1096I variant (also known as c.3288G>A), located in coding exon 13 of the ASXL1 gene, results from a G to A substitution at nucleotide position 3288. The methionine at codon 1096 is replaced by isoleucine, an amino acid with highly similar properties. This amino acid position is conserved. In addition, this alteration is predicted to be tolerated by in silico analysis. Based on the available evidence, the clinical significance of this variant remains unclear.

NM_015338.6(ASXL1):c.3288G>A (p.Met1096Ile)

Gene: ASXL1 (ASXL transcriptional regulator 1; plus strand). Cytogenetic location: 20q11.21.
Variant type: single nucleotide variant.
Coding change: c.3288G>A on transcript NM_015338.6 (MANE Select); coding-DNA position 3288, G replaced by A.
Protein change: p.Met1096Ile; replaces methionine 1096 with isoleucine.
Molecular consequence: missense variant.
Genome position (GRCh38, 1-based): chr20:32,436,000, G>A. VCF-style: chr20-32436000-G-A. GRCh37 (hg19) VCF-style: chr20-31023803-G-A.
Other names: c.3105G>A, p.Met1035Ile (NM_001363734.1); short protein forms M1096I, M1035I.
Identifiers: ClinVar variation 4158459 (VCV004158459.1).
Genomic context (GRCh38, chr20:32,436,000, plus strand): 5'-CCCAGATTCCCTACTGCTGGCCAGTACTGAGTACCAGCCAAGAGCCGTGTGCCTGTCCAT[G>A]CCTGGGTCCTCAGTGGAGGCCACTAACCCACTTGTGATGCAGTTGCTGCAGGGTAGCTTG-3'
Protein context (NP_056153.2, residues 1086-1106): EYQPRAVCLS[Met1096Ile]PGSSVEATNP